The following is an entry in ClinVar:

ClinVar aggregate classification (germline): Pathogenic (1 of 4 stars; one submission).

Submission:

Labcorp Genetics (formerly Invitae), Labcorp
Classification: Pathogenic. Last evaluated: 2026-01-15. Review status: criteria provided, single submitter. Criteria: Invitae Variant Classification Sherloc (09022015). Collection method: clinical testing. Allele origin: germline.
Comment: This sequence change creates a premature translational stop signal (p.Glu1275*) in the ADCY10 gene. It is expected to result in an absent or disrupted protein product. Loss-of-function variants in ADCY10 are known to be pathogenic (PMID: 31119281). This variant is not present in population databases (gnomAD no frequency). This variant has not been reported in the literature in individuals affected with ADCY10-related conditions. ClinVar contains an entry for this variant (Variation ID: 2161374). For these reasons, this variant has been classified as Pathogenic.

Literature cited by the submitters: PubMed 31119281.

NM_018417.6(ADCY10):c.3823G>T (p.Glu1275Ter)

Gene: ADCY10 (adenylate cyclase 10; minus strand). Cytogenetic location: 1q24.2.
Variant type: single nucleotide variant.
Coding change: c.3823G>T on transcript NM_018417.6 (MANE Select); coding-DNA position 3823, G replaced by T.
Protein change: p.Glu1275Ter; replaces glutamic acid 1275 with a stop codon.
Molecular consequence: nonsense.
Genome position (GRCh38, 1-based): chr1:167,824,783, C>A on the plus strand (G>T on the coding strand, the complement: ADCY10 is on the minus strand). VCF-style: chr1-167824783-C-A. GRCh37 (hg19) VCF-style: chr1-167794021-C-A.
Other names: c.3364G>T, p.Glu1122Ter (NM_001167749.3); c.3547G>T, p.Glu1183Ter (NM_001297772.2); short protein forms E1275*, E1183*, E1122*.
Identifiers: ClinVar variation 2161374 (VCV002161374.4), dbSNP rs865913887, ClinGen allele CA343099546.